The following is an entry in ClinVar:

NM_000391.4(TPP1):c.410_411del (p.Glu137fs)

Gene: TPP1 (tripeptidyl peptidase 1; minus strand). Cytogenetic location: 11p15.4.
Variant type: Deletion.
Coding change: c.410_411del on transcript NM_000391.4 (MANE Select); coding-DNA positions 410 to 411, 2 bases deleted (AG; older notation c.410_411delAG).
Protein change: p.Glu137fs; shifts the reading frame from glutamic acid 137.
Molecular consequence: frameshift variant.
Genome position (GRCh38, 1-based): chr11:6,617,398-6,617,399, CT deleted on the plus strand (AG on the coding strand, the reverse complement: TPP1 is on the minus strand); deleting any 2 consecutive bases within chr11:6,617,398-6,617,400 gives the same sequence; the c. name uses the placement nearest the transcript's 3' end. VCF-style (leftmost placement, unchanged base first): chr11-6617397-ACT-A. GRCh37 (hg19) VCF-style: chr11-6638628-ACT-A.
Other names: short protein forms E137fs.
Identifiers: ClinVar variation 5011493 (VCV005011493.1).

ClinVar aggregate classification (germline): Pathogenic (1 of 4 stars; one submission).

Conditions:
Neuronal ceroid lipofuscinosis 2. Also called: TPP1-Related Neuronal Ceroid-Lipofuscinosis; JANSKY-BIELSCHOWSKY DISEASE NEURONAL CEROID LIPOFUSCINOSIS, LATE INFANTILE. Identifiers: Orphanet 168491, Orphanet 228349, Orphanet 79264, MedGen C1876161, MONDO:0008769, OMIM 204500.

Submission:

Myriad Genetics, Inc.
Classification: Pathogenic for Neuronal ceroid lipofuscinosis 2. Last evaluated: 2023-08-30. Review status: criteria provided, single submitter. Criteria: Myriad Autosomal Dominant, Autosomal Recessive and X-Linked Classification Criteria (2023). Collection method: clinical testing. Allele origin: unknown.
Comment: NM_000391.3(TPP1):c.410_411delAG(E137Vfs*50) is expected to be pathogenic in the context of TPP1-related neuronal ceroid lipofuscinosis. This variant is predicted to lead to an abnormal or absent protein product due to the creation of a premature termination codon in TPP1, a gene where loss-of-function variants are known to be pathogenic. Please note: this variant was assessed in the context of healthy population screening.